The following is an entry in ClinVar:

ClinVar aggregate classification (germline): Uncertain significance (1 of 4 stars; one submission).

Conditions:
Syndromic multisystem autoimmune disease due to ITCH deficiency. Also called: AUTOIMMUNE DISEASE, MULTISYSTEM, WITH FACIAL DYSMORPHISM. Identifiers: Orphanet 228426, MedGen C3150649, MONDO:0013245, OMIM 613385.

Allele frequency attached by ClinVar (database versions not stated): gnomAD exomes below 0.00001.
gnomAD v4.1: 1 of 1,611,756 alleles (0.000062%); no homozygotes.

Submission:

Labcorp Genetics (formerly Invitae), Labcorp
Classification: Uncertain significance for Syndromic multisystem autoimmune disease due to ITCH deficiency. Last evaluated: 2022-05-06. Review status: criteria provided, single submitter. Criteria: Invitae Variant Classification Sherloc (09022015). Collection method: clinical testing. Allele origin: germline.
Comment: This sequence change replaces proline, which is neutral and non-polar, with histidine, which is basic and polar, at codon 395 of the ITCH protein (p.Pro395His). This variant is not present in population databases (gnomAD no frequency). This variant has not been reported in the literature in individuals affected with ITCH-related conditions. ClinVar contains an entry for this variant (Variation ID: 1025688). Algorithms developed to predict the effect of missense changes on protein structure and function are either unavailable or do not agree on the potential impact of this missense change (SIFT: "Not Available"; PolyPhen-2: "Probably Damaging"; Align-GVGD: "Not Available"). In summary, the available evidence is currently insufficient to determine the role of this variant in disease. Therefore, it has been classified as a Variant of Uncertain Significance.

NM_031483.7(ITCH):c.1184C>A (p.Pro395His)

Gene: ITCH (itchy E3 ubiquitin protein ligase; plus strand). Cytogenetic location: 20q11.22.
Variant type: single nucleotide variant.
Coding change: c.1184C>A on transcript NM_031483.7 (MANE Select); coding-DNA position 1184, C replaced by A.
Protein change: p.Pro395His; replaces proline 395 with histidine.
Molecular consequence: missense variant.
Genome position (GRCh38, 1-based): chr20:34,449,454, C>A. VCF-style: chr20-34449454-C-A. GRCh37 (hg19) VCF-style: chr20-33037259-C-A.
Other names: c.1307C>A, p.Pro436His (NM_001257137.3, NM_001324197.2); c.854C>A, p.Pro285His (NM_001257138.3); c.1184C>A, p.Pro395His (NM_001324198.2); short protein forms P285H, P395H, P436H.
Identifiers: ClinVar variation 1025688 (VCV001025688.8), dbSNP rs1568953807, ClinGen allele CA408664636.